The following is an entry in ClinVar:

ClinVar aggregate classification (germline): Uncertain significance (1 of 4 stars; one submission).

gnomAD v4.1: 7 of 1,602,384 alleles (0.00044%); highest among the groups gnomAD compares: Non-Finnish European, 0.0006%; no homozygotes.

Submission:

Labcorp Genetics (formerly Invitae), Labcorp
Classification: Uncertain significance. Last evaluated: 2021-11-27. Review status: criteria provided, single submitter. Criteria: Invitae Variant Classification Sherloc (09022015). Collection method: clinical testing. Allele origin: germline.
Comment: In summary, the available evidence is currently insufficient to determine the role of this variant in disease. Therefore, it has been classified as a Variant of Uncertain Significance. Algorithms developed to predict the effect of sequence changes on RNA splicing suggest that this variant may create or strengthen a splice site. Algorithms developed to predict the effect of missense changes on protein structure and function are either unavailable or do not agree on the potential impact of this missense change (SIFT: "Deleterious"; PolyPhen-2: "Probably Damaging"; Align-GVGD: "Class C0"). This variant has not been reported in the literature in individuals affected with AUTS2-related conditions. This variant is not present in population databases (gnomAD no frequency). This sequence change replaces proline, which is neutral and non-polar, with glutamine, which is neutral and polar, at codon 1222 of the AUTS2 protein (p.Pro1222Gln).

NM_015570.4(AUTS2):c.3665C>A (p.Pro1222Gln)

Gene: AUTS2 (activator of transcription and developmental regulator AUTS2; plus strand). Cytogenetic location: 7q11.22.
Variant type: single nucleotide variant.
Coding change: c.3665C>A on transcript NM_015570.4 (MANE Select); coding-DNA position 3665, C replaced by A.
Protein change: p.Pro1222Gln; replaces proline 1222 with glutamine.
Molecular consequence: missense variant.
Genome position (GRCh38, 1-based): chr7:70,790,881, C>A. VCF-style: chr7-70790881-C-A. GRCh37 (hg19) VCF-style: chr7-70255867-C-A.
Other names: c.3593C>A, p.Pro1198Gln (NM_001127231.3); short protein forms P1198Q, P1222Q.
Identifiers: ClinVar variation 1412866 (VCV001412866.6), dbSNP rs1336239612, ClinGen allele CA367666670.